The following is an entry in ClinVar:

ClinVar aggregate classification (germline): Conflicting classifications of pathogenicity. Review status: criteria provided, conflicting classifications (1 of 4 stars). 5 submissions from 5 submitters: Likely pathogenic (2); Uncertain significance (3). Last evaluated 2025-11-28.

Conditions:
Baraitser-winter syndrome 2. Identifiers: Orphanet 2995, MedGen C3281235, MONDO:0013812, OMIM 614583.
Autosomal dominant nonsyndromic hearing loss 20. Identifiers: Orphanet 90635, MedGen C1858172, MONDO:0011480, OMIM 604717.

Submissions (5):

Dasa
Classification: Uncertain significance. Last evaluated: 2025-11-28. Review status: criteria provided, single submitter. Criteria: DASA Assertion Criteria. Collection method: clinical testing. Allele origin: germline.
Comment: NM_001614.5(ACTG1):c.1036C>G (p.Leu346Val) is a missense variant that results in the substitution of leucine with valine. This variant has been reported in individuals with ACTG1-related disorders. Also, this variant is absent from population databases. Computational prediction algorithms are consistent with a deleterious effect. The currently available literature and clinical evidence are not sufficient to establish a definitive association between this variant and the reported condition. Therefore, this variant is classified as a variant of uncertain significance.

GeneDx
Classification: Likely pathogenic. Last evaluated: 2023-08-25. Review status: criteria provided, single submitter. Criteria: GeneDx Variant Classification Process June 2021. Collection method: clinical testing. Allele origin: germline. Affected: yes.
Comment: Not observed at significant frequency in large population cohorts (gnomAD); Missense variants in this gene are often considered pathogenic (HGMD); In silico analysis supports that this missense variant does not alter protein structure/function; Has not been previously published as pathogenic or benign to our knowledge

Labcorp Genetics (formerly Invitae), Labcorp
Classification: Likely pathogenic for Baraitser-winter syndrome 2; Autosomal dominant nonsyndromic hearing loss 20. Last evaluated: 2023-06-19. Review status: criteria provided, single submitter. Criteria: Invitae Variant Classification Sherloc (09022015). Collection method: clinical testing. Allele origin: germline.
Comment: In summary, the currently available evidence indicates that the variant is pathogenic, but additional data are needed to prove that conclusively. Therefore, this variant has been classified as Likely Pathogenic. Advanced modeling of protein sequence and biophysical properties (such as structural, functional, and spatial information, amino acid conservation, physicochemical variation, residue mobility, and thermodynamic stability) performed at Invitae indicates that this missense variant is not expected to disrupt ACTG1 protein function. ClinVar contains an entry for this variant (Variation ID: 228431). This missense change has been observed in individual(s) with clinical features of Baraitser-Winter syndrome (Invitae). In at least one individual the variant was observed to be de novo. This variant is not present in population databases (gnomAD no frequency). This sequence change replaces leucine, which is neutral and non-polar, with valine, which is neutral and non-polar, at codon 346 of the ACTG1 protein (p.Leu346Val).

Athena Diagnostics
Classification: Uncertain significance. Last evaluated: 2018-11-27. Review status: criteria provided, single submitter. Criteria: Athena Diagnostics Criteria. Collection method: clinical testing. Allele origin: germline.

Laboratory for Molecular Medicine, Mass General Brigham Personalized Medicine
Classification: Uncertain significance. Last evaluated: 2015-05-22. Review status: criteria provided, single submitter. Criteria: LMM Criteria. Collection method: clinical testing. Allele origin: germline. Observed: 1 variant allele.
Comment: The p.Leu346Val variant in ACTG1 has not been previously reported in individuals with hearing loss and was absent from large population studies. Computational p rediction tools and conservation analysis suggest that the variant may impact th e protein, though this information is not predictive enough to determine pathoge nicity. In summary, the clinical significance of the p.Leu346Val variant is unce rtain.

NM_001614.5(ACTG1):c.1036C>G (p.Leu346Val)

Gene: ACTG1 (actin gamma 1; minus strand). Cytogenetic location: 17q25.3.
Variant type: single nucleotide variant.
Coding change: c.1036C>G on transcript NM_001614.5 (MANE Select); coding-DNA position 1036, C replaced by G.
Protein change: p.Leu346Val; replaces leucine 346 with valine.
Molecular consequence: missense variant. On other transcripts: non-coding transcript variant (1).
Genome position (GRCh38, 1-based): chr17:81,510,782, G>C on the plus strand (C>G on the coding strand, the complement: ACTG1 is on the minus strand). VCF-style: chr17-81510782-G-C. GRCh37 (hg19) VCF-style: chr17-79477808-G-C.
Other names: c.1036C>G, p.Leu346Val (NM_001199954.3); short protein forms L346V.
Identifiers: ClinVar variation 228431 (VCV000228431.11), dbSNP rs782217473, ClinGen allele CA10577200.